The following is an entry in ClinVar:

NM_000179.3(MSH6):c.3881G>T (p.Cys1294Phe)

Gene: MSH6 (mutS homolog 6; plus strand). Cytogenetic location: 2p16.3.
Variant type: single nucleotide variant.
Coding change: c.3881G>T on transcript NM_000179.3 (MANE Select); coding-DNA position 3881, G replaced by T.
Protein change: p.Cys1294Phe; replaces cysteine 1294 with phenylalanine.
Molecular consequence: missense variant.
Genome position (GRCh38, 1-based): chr2:47,806,531, G>T. VCF-style: chr2-47806531-G-T. GRCh37 (hg19) VCF-style: chr2-48033670-G-T.
Other names: c.3491G>T, p.Cys1164Phe (NM_001281492.2); c.2975G>T, p.Cys992Phe (NM_001281493.2, NM_001281494.2); short protein forms C1294F, C992F, C1164F.
Identifiers: ClinVar variation 237201 (VCV000237201.13), dbSNP rs878853741, ClinGen allele CA10582092.

ClinVar aggregate classification (germline): Uncertain significance. Review status: criteria provided, multiple submitters, no conflicts (2 of 4 stars). 2 submissions from 2 submitters: Uncertain significance (2). Last evaluated 2025-08-07.

Conditions:
Hereditary nonpolyposis colorectal neoplasms. Identifiers: MedGen C0009405, MeSH D003123.
Hereditary cancer-predisposing syndrome. Also called: Hereditary neoplastic syndrome; Hereditary Cancer Syndrome; Neoplastic Syndromes, Hereditary; Tumor predisposition. Identifiers: Orphanet 140162, MedGen C0027672, MeSH D009386, MONDO:0015356.

Submissions (2):

Ambry Genetics
Classification: Uncertain significance for Hereditary cancer-predisposing syndrome. Last evaluated: 2025-08-07. Review status: criteria provided, single submitter. Criteria: Ambry Variant Classification Scheme 2023. Collection method: clinical testing. Allele origin: germline.
Comment: The p.C1294F variant (also known as c.3881G>T), located in coding exon 9 of the MSH6 gene, results from a G to T substitution at nucleotide position 3881. The cysteine at codon 1294 is replaced by phenylalanine, an amino acid with highly dissimilar properties. This amino acid position is highly conserved in available vertebrate species. In addition, this alteration is predicted to be deleterious by in silico analysis. Since supporting evidence is limited at this time, the clinical significance of this alteration remains unclear.

Labcorp Genetics (formerly Invitae), Labcorp
Classification: Uncertain significance for Hereditary nonpolyposis colorectal neoplasms. Last evaluated: 2025-07-31. Review status: criteria provided, single submitter. Criteria: Invitae Variant Classification Sherloc (09022015). Collection method: clinical testing. Allele origin: germline.
Comment: This sequence change replaces cysteine, which is neutral and slightly polar, with phenylalanine, which is neutral and non-polar, at codon 1294 of the MSH6 protein (p.Cys1294Phe). This variant is not present in population databases (gnomAD no frequency). This variant has not been reported in the literature in individuals affected with MSH6-related conditions. ClinVar contains an entry for this variant (Variation ID: 237201). Invitae Evidence Modeling of protein sequence and biophysical properties (such as structural, functional, and spatial information, amino acid conservation, physicochemical variation, residue mobility, and thermodynamic stability) has been performed for this missense variant. However, the output from this modeling did not meet the statistical confidence thresholds required to predict the impact of this variant on MSH6 protein function. In summary, the available evidence is currently insufficient to determine the role of this variant in disease. Therefore, it has been classified as a Variant of Uncertain Significance.